The following is an entry in ClinVar:

ClinVar aggregate classification (germline): Likely benign (1 of 4 stars; one submission).

Allele frequency attached by ClinVar (database versions not stated): gnomAD exomes 0.00004; ExAC 0.00011; ESP Exome Variant Server 0.00031; gnomAD 0.00036; TOPMed 0.00039; 1000 Genomes Project 0.00040; 1000 Genomes Project 30x 0.00062.

Submission:

CeGaT Center for Human Genetics Tuebingen
Classification: Likely benign. Last evaluated: 2023-02-01. Review status: criteria provided, single submitter. Criteria: CeGaT Center For Human Genetics Tuebingen Variant Classification Criteria Version 2. Collection method: clinical testing. Allele origin: germline. Affected: yes. Observed: 1 variant allele.
Comment: ATP10A: BP4, BP7

NM_024490.4(ATP10A):c.2364T>C (p.His788=)

Gene: ATP10A (ATPase phospholipid transporting 10A (putative); minus strand). Cytogenetic location: 15q12.
Variant type: single nucleotide variant.
Coding change: c.2364T>C on transcript NM_024490.4 (MANE Select); coding-DNA position 2364, T replaced by C.
Protein change: p.His788=; no amino-acid change (histidine 788 retained).
Molecular consequence: synonymous variant.
Genome position (GRCh38, 1-based): chr15:25,708,281, A>G on the plus strand (T>C on the coding strand, the complement: ATP10A is on the minus strand). VCF-style: chr15-25708281-A-G. GRCh37 (hg19) VCF-style: chr15-25953428-A-G.
Identifiers: ClinVar variation 2645017 (VCV002645017.24), dbSNP rs148675372, ClinGen allele CA7436518.
Genomic context (GRCh38, chr15:25,708,281, plus strand): 5'-CAGGCCTTCCGCCGCATACACGTTGAGGTAATTCTGAGTTTTGCTCCGAATCTTTTTTTG[A>G]TGCCTCCCTCTGGCGTCAACTAGGTTGGAGAATAAGCAGAAACATGGGTAAGAACTGGCG-3'
Protein context (NP_077816.1, residues 778-798): PCSSVDARGR[His788=]QKKIRSKTQN